The following is an entry in ClinVar:

NM_032380.5(GFM2):c.1101A>G (p.Leu367=)

Gene: GFM2 (GTP dependent ribosome recycling factor mitochondrial 2; minus strand). Cytogenetic location: 5q13.3.
Variant type: single nucleotide variant.
Coding change: c.1101A>G on transcript NM_032380.5 (MANE Select); coding-DNA position 1101, A replaced by G.
Protein change: p.Leu367=; no amino-acid change (leucine 367 retained).
Molecular consequence: synonymous variant. On other transcripts: non-coding transcript variant (1), intron variant (1).
Genome position (GRCh38, 1-based): chr5:74,738,621, T>C on the plus strand (A>G on the coding strand, the complement: GFM2 is on the minus strand). VCF-style: chr5-74738621-T-C. GRCh37 (hg19) VCF-style: chr5-74034446-T-C.
Other names: c.1197A>G, p.Leu399= (NM_001281302.2); c.1101A>G, p.Leu367= (NM_170681.3); c.1080-204A>G (NM_170691.3).
Identifiers: ClinVar variation 3046526 (VCV003046526.2), dbSNP rs1327034823, ClinGen allele CA444861548.
Genomic context (GRCh38, chr5:74,738,621, plus strand): 5'-GCGCATAAAAACCAGTGGTCCTCGCTGCTTGTCATGGAGAACTTTAAATGCCAATGCACA[T>C]AAGTCATCCTTATACCACTGCCTATAAAATAAACATTCCAAAAAGGCCTATAAAATACAC-3'
Protein context (NP_115756.2, residues 357-377): YEFLQWYKDD[Leu367=]CALAFKVLHD

ClinVar aggregate classification (germline): Likely benign (0 of 4 stars; one submission).

Conditions:
GFM2-related disorder. Also called: GFM2-related condition.

Allele frequency attached by ClinVar (database versions not stated): gnomAD 0.00001; gnomAD exomes 0.00001.
gnomAD v4.1: 10 of 1,612,736 alleles (0.00062%); highest among the groups gnomAD compares: African/African-American, 0.0013%; no homozygotes.

Submission:

PreventionGenetics, part of Exact Sciences
Classification: Likely benign for GFM2-related condition. Last evaluated: 2022-03-16. Review status: no assertion criteria provided. Collection method: clinical testing. Allele origin: germline.
Comment: This variant is classified as likely benign based on ACMG/AMP sequence variant interpretation guidelines (Richards et al. 2015 PMID: 25741868, with internal and published modifications).